The following is an entry in ClinVar:

ClinVar aggregate classification (germline): Benign. Review status: criteria provided, multiple submitters, no conflicts (2 of 4 stars). 4 submissions from 4 submitters: Benign (4). Last evaluated 2026-01-29.

Allele frequency attached by ClinVar (database versions not stated): gnomAD exomes 0.00220; ExAC 0.00276; gnomAD 0.00866; TOPMed 0.00962; ESP Exome Variant Server 0.00967; 1000 Genomes Project 0.01338; 1000 Genomes Project 30x 0.01483.

Submissions (4):

Labcorp Genetics (formerly Invitae), Labcorp
Classification: Benign. Last evaluated: 2026-01-29. Review status: criteria provided, single submitter. Criteria: Invitae Variant Classification Sherloc (09022015). Collection method: clinical testing. Allele origin: germline.

Women's Health and Genetics/Laboratory Corporation of America, LabCorp
Classification: Benign. Last evaluated: 2020-01-19. Review status: criteria provided, single submitter. Criteria: LabCorp Variant Classification Summary - May 2015. Collection method: clinical testing. Allele origin: germline.

GeneDx
Classification: Benign. Last evaluated: 2017-02-28. Review status: criteria provided, single submitter. Criteria: GeneDx Variant Classification (06012015). Collection method: clinical testing. Allele origin: germline. Affected: yes.
Comment: This variant is considered likely benign or benign based on one or more of the following criteria: it is a conservative change, it occurs at a poorly conserved position in the protein, it is predicted to be benign by multiple in silico algorithms, and/or has population frequency not consistent with disease.

Breakthrough Genomics
Classification: Benign. Review status: criteria provided, single submitter. Criteria: ACMG Guidelines, 2015. Collection method: not provided. Allele origin: germline. Inheritance: Autosomal dominant inheritance. Affected: yes.

NM_144670.6(A2ML1):c.2295G>A (p.Ala765=)

Gene: A2ML1 (alpha-2-macroglobulin like 1; plus strand). Cytogenetic location: 12p13.31.
Variant type: single nucleotide variant.
Coding change: c.2295G>A on transcript NM_144670.6 (MANE Select); coding-DNA position 2295, G replaced by A.
Protein change: p.Ala765=; no amino-acid change (alanine 765 retained).
Molecular consequence: synonymous variant.
Genome position (GRCh38, 1-based): chr12:8,851,844, G>A. VCF-style: chr12-8851844-G-A. GRCh37 (hg19) VCF-style: chr12-9004440-G-A.
Other names: c.822G>A, p.Ala274= (NM_001282424.3).
Identifiers: ClinVar variation 241891 (VCV000241891.12), dbSNP rs79067860, ClinGen allele CA6435983.